The following is an entry in ClinVar:

NM_000283.4(PDE6B):c.2326G>A (p.Asp776Asn)

Gene: PDE6B (phosphodiesterase 6B; plus strand). Cytogenetic location: 4p16.3.
Variant type: single nucleotide variant.
Coding change: c.2326G>A on transcript NM_000283.4 (MANE Select); coding-DNA position 2326, G replaced by A.
Protein change: p.Asp776Asn; replaces aspartic acid 776 with asparagine.
Molecular consequence: missense variant.
Genome position (GRCh38, 1-based): chr4:666,588, G>A. VCF-style: chr4-666588-G-A. GRCh37 (hg19) VCF-style: chr4-660377-G-A.
Other names: c.2326G>A, p.Asp776Asn (NM_001145291.2); c.1489G>A, p.Asp497Asn (NM_001145292.2, NM_001350154.3, NM_001379246.1 and 1 more transcripts); c.1171G>A, p.Asp391Asn (NM_001350155.3); short protein forms D776N, D391N, D497N.
Identifiers: ClinVar variation 349392 (VCV000349392.55), dbSNP rs141563823, ClinGen allele CA2795009.

ClinVar aggregate classification (germline): Pathogenic/Likely pathogenic. Review status: criteria provided, multiple submitters, no conflicts (2 of 4 stars). 6 submissions from 6 submitters: Pathogenic (3); Likely pathogenic (2). 1 of the submissions does not count toward it. Last evaluated 2026-01-18.

Conditions:
PDE6B-related disorder. Also called: PDE6B-related disease; PDE6B-related condition; PDE6B-related disorders.
Retinal dystrophy. Also called: Inherited retinal dystrophy. Identifiers: Orphanet 71862, MedGen C0854723, MeSH D058499, MONDO:0019118, HP:0000556.
Retinitis pigmentosa 40 (RP40). Identifiers: Orphanet 791, MedGen C3151107, MONDO:0013429, OMIM 613801.

Allele frequency attached by ClinVar (database versions not stated): 1000 Genomes Project 30x 0.00016; 1000 Genomes Project 0.00020; ESP Exome Variant Server 0.00023; ExAC 0.00004; gnomAD exomes 0.00006 and 0.00011; TOPMed 0.00008; gnomAD 0.00009 and 0.00010.
gnomAD v4.1: 165 of 1,612,252 alleles (0.01%); highest among the groups gnomAD compares: Non-Finnish European, 0.013%; no homozygotes.

Submissions (6):

Labcorp Genetics (formerly Invitae), Labcorp
Classification: Pathogenic. Last evaluated: 2026-01-18. Review status: criteria provided, single submitter. Criteria: Invitae Variant Classification Sherloc (09022015). Collection method: clinical testing. Allele origin: germline.
Comment: This sequence change replaces aspartic acid, which is acidic and polar, with asparagine, which is neutral and polar, at codon 776 of the PDE6B protein (p.Asp776Asn). This variant is present in population databases (rs141563823, gnomAD 0.01%). This missense change has been observed in individual(s) with autosomal recessive retinitis pigmentosa (PMID: 22334370; internal data). In at least one individual the data is consistent with being in trans (on the opposite chromosome) from a pathogenic variant. ClinVar contains an entry for this variant (Variation ID: 349392). Invitae Evidence Modeling of protein sequence and biophysical properties (such as structural, functional, and spatial information, amino acid conservation, physicochemical variation, residue mobility, and thermodynamic stability) has been performed for this missense variant. However, the output from this modeling did not meet the statistical confidence thresholds required to predict the impact of this variant on PDE6B protein function. For these reasons, this variant has been classified as Pathogenic.

PreventionGenetics, part of Exact Sciences
Classification: Likely pathogenic for PDE6B-related condition. Last evaluated: 2025-09-12. Review status: criteria provided, single submitter. Criteria: ACMG Guidelines, 2015. Collection method: clinical testing. Allele origin: germline.
Comment: The PDE6B c.2326G>A variant is predicted to result in the amino acid substitution p.Asp776Asn. This variant has been reported, in the homozygous state or in the heterozygous state along with a second probable causative variant, in individuals with retinitis pigmentosa (Neveling et al. 2012. PubMed ID: 22334370; supplementary data, Weisschuh et al. 2020. PubMed ID: 32531858; Kuehlewein et al. 2021. PubMed ID: 33673512). This variant is present in 0.0098% of alleles in individuals of South Asian descent in gnomAD. This variant is interpreted as likely pathogenic.

Blueprint Genetics
Classification: Pathogenic for PDE6B-related disorders. Last evaluated: 2024-10-08. Review status: criteria provided, single submitter. Criteria: ACMG Guidelines, 2015. Collection method: clinical testing. Allele origin: germline. Affected: yes. Observed: 5 variant alleles.

CeGaT Center for Human Genetics Tuebingen
Classification: Pathogenic. Last evaluated: 2020-01-01. Review status: criteria provided, single submitter. Criteria: CeGaT Center For Human Genetics Tuebingen Variant Classification Criteria Version 2. Collection method: clinical testing. Allele origin: germline. Affected: yes. Observed: 4 variant alleles.

Institute of Human Genetics, Univ. Regensburg, Univ. Regensburg
Classification: Likely pathogenic for Retinal dystrophy. Last evaluated: 2019-01-01. Review status: criteria provided, single submitter. Criteria: ACMG Guidelines, 2015. Collection method: clinical testing. Allele origin: germline. Affected: yes.

Joint Genome Diagnostic Labs from Nijmegen and Maastricht, Radboudumc and MUMC+
Classification: Likely pathogenic for Retinitis pigmentosa 40. Last evaluated: 2016-09-01. Review status: no assertion criteria provided. Collection method: clinical testing. Allele origin: unknown. Affected: yes. Observed: 1 variant allele. Not counted in ClinVar's aggregate classification.

Literature cited by the submitters: PubMed 22334370 (cited by Labcorp Genetics (formerly Invitae), Labcorp and Institute of Human Genetics, Univ. Regensburg, Univ. Regensburg); PubMed 3253185 (cited by Institute of Human Genetics, Univ. Regensburg, Univ. Regensburg).